The following is an entry in ClinVar:

ClinVar aggregate classification (germline): Likely benign. Review status: criteria provided, multiple submitters, no conflicts (2 of 4 stars). 3 submissions from 3 submitters: Likely benign (3). Last evaluated 2018-08-22.

Conditions:
Bartsocas-Papas syndrome 1. Also called: PTERYGIUM, POPLITEAL, LETHAL TYPE; Bartsocas-Papas syndrome; MULTIPLE PTERYGIUM SYNDROME, ASLAN TYPE. Identifiers: Orphanet 1234, MedGen C1849718, MONDO:0009901, OMIM 263650.

Allele frequency attached by ClinVar (database versions not stated): gnomAD 0.00008 and 0.00014; gnomAD exomes 0.00012 and 0.00031; 1000 Genomes Project 30x 0.00047; 1000 Genomes Project 0.00060; TOPMed 0.00016; ExAC 0.00030.

Submissions (3):

Labcorp Genetics (formerly Invitae), Labcorp
Classification: Likely benign. Last evaluated: 2018-08-22. Review status: criteria provided, single submitter. Criteria: Invitae Variant Classification Sherloc (09022015). Collection method: clinical testing. Allele origin: germline.

Illumina Laboratory Services, Illumina
Classification: Likely benign for Bartsocas-Papas syndrome 1. Last evaluated: 2017-04-27. Review status: criteria provided, single submitter. Criteria: ICSL Variant Classification Criteria 13 December 2019. Collection method: clinical testing. Allele origin: germline.
Comment: This variant was observed as part of a predisposition screen in an ostensibly healthy population. A literature search was performed for the gene, cDNA change, and amino acid change (where applicable). No publications were found based on this search. Allele frequency data from public databases allowed determination this variant is unlikely to cause disease. Therefore, this variant is classified as likely benign.

Breakthrough Genomics
Classification: Likely benign. Review status: criteria provided, single submitter. Criteria: ACMG Guidelines, 2015. Collection method: not provided. Allele origin: germline. Inheritance: Autosomal recessive inheritance. Affected: yes.

NM_020639.3(RIPK4):c.2296C>G (p.Leu766Val)

Gene: RIPK4 (receptor interacting serine/threonine kinase 4; minus strand). Cytogenetic location: 21q22.3.
Variant type: single nucleotide variant.
Coding change: c.2296C>G on transcript NM_020639.3 (MANE Select); coding-DNA position 2296, C replaced by G.
Protein change: p.Leu766Val; replaces leucine 766 with valine.
Molecular consequence: missense variant.
Genome position (GRCh38, 1-based): chr21:41,740,897, G>C on the plus strand (C>G on the coding strand, the complement: RIPK4 is on the minus strand). VCF-style: chr21-41740897-G-C. GRCh37 (hg19) VCF-style: chr21-43161057-G-C.
Other names: short protein forms L766V.
Identifiers: ClinVar variation 755418 (VCV000755418.8), dbSNP rs200025631, ClinGen allele CA10035078.
Genomic context (GRCh38, chr21:41,740,897, plus strand): 5'-GCTAGGTCTTGCTTCGCCGCAGGAGCGTGGCGGCGGGGCCATGGCCGCCCTGGAACTTGA[G>C]GCTCTGCAGGTTGATGTGGGCCCCATGCCTGAGCAGAGTCTCCACCGTCTGTGCGTGCCG-3'
Protein context (NP_065690.2, residues 756-776): RHGAHINLQS[Leu766Val]KFQGGHGPAA